The following is an entry in ClinVar:

NM_012431.3(SEMA3E):c.934G>A (p.Val312Ile)

Gene: SEMA3E (semaphorin 3E; minus strand). Cytogenetic location: 7q21.11.
Variant type: single nucleotide variant.
Coding change: c.934G>A on transcript NM_012431.3 (MANE Select); coding-DNA position 934, G replaced by A.
Protein change: p.Val312Ile; replaces valine 312 with isoleucine.
Molecular consequence: missense variant.
Genome position (GRCh38, 1-based): chr7:83,405,514, C>T on the plus strand (G>A on the coding strand, the complement: SEMA3E is on the minus strand). VCF-style: chr7-83405514-C-T. GRCh37 (hg19) VCF-style: chr7-83034830-C-T.
Other names: c.754G>A, p.Val252Ile (NM_001178129.2); short protein forms V252I, V312I.
Identifiers: ClinVar variation 1317497 (VCV001317497.3), dbSNP rs996184916, ClinGen allele CA367929499.

ClinVar aggregate classification (germline): Uncertain significance. Review status: criteria provided, single submitter (1 of 4 stars). 2 submissions from 2 submitters: Uncertain significance (1). 1 of the submissions does not count toward it. Last evaluated 2024-08-20.

Conditions:
SEMA3E-related disorder. Also called: SEMA3E-related condition.

Allele frequency attached by ClinVar (database versions not stated): gnomAD exomes below 0.00001.
gnomAD v4.1: 2 of 1,612,756 alleles (0.00012%); highest among the groups gnomAD compares: Non-Finnish European, 0.00017%; no homozygotes.

Submissions (2):

GeneDx
Classification: Uncertain significance. Last evaluated: 2024-08-20. Review status: criteria provided, single submitter. Criteria: GeneDx Variant Classification Process June 2021. Collection method: clinical testing. Allele origin: germline. Affected: yes.
Comment: Not observed at significant frequency in large population cohorts (gnomAD); In silico analysis indicates that this missense variant does not alter protein structure/function; Has not been previously published as pathogenic or benign to our knowledge; Variants in candidate genes are classified as variants of uncertain significance in accordance with ACMG guidelines (PMID: 25741868)

PreventionGenetics, part of Exact Sciences
Classification: Uncertain significance for SEMA3E-related condition. Last evaluated: 2024-02-20. Review status: no assertion criteria provided. Collection method: clinical testing. Allele origin: germline. Not counted in ClinVar's aggregate classification.
Comment: The SEMA3E c.934G>A variant is predicted to result in the amino acid substitution p.Val312Ile. To our knowledge, this variant has not been reported in the literature or in a large population database, indicating this variant is rare. At this time, the clinical significance of this variant is uncertain due to the absence of conclusive functional and genetic evidence.